The following is an entry in ClinVar:

NM_000296.3:c.216-4133_5681del

Gene: PKD1 (polycystin 1, transient receptor potential channel interacting; minus strand).
Variant type: Deletion.
Identifiers: ClinVar variation 3889316 (VCV003889316.1).

ClinVar aggregate classification (germline): Pathogenic (1 of 4 stars; one submission).

Conditions:
Inborn genetic diseases. Identifiers: MedGen C0950123, MeSH D030342.

Submission:

Ambry Genetics
Classification: Pathogenic for Inborn genetic diseases. Last evaluated: 2025-03-11. Review status: criteria provided, single submitter. Criteria: Ambry Variant Classification Scheme 2023. Collection method: clinical testing. Allele origin: germline.
Comment: The c.216-4133_5681del gross deletion includes at least a portion of intron 1 through at least a portion of coding exon 15 in the PKD1 gene. This alteration is expected to result in loss of function due to an abnormal transcript, a translational frameshift leading to premature truncation, or nonsense-mediated mRNA decay. This variant was not reported in population-based cohorts in the Genome Aggregation Database (gnomAD). Overlapping copy losses have been described in the literature with varying sizes and breakpoints in families affected with PKD1-related polycystic kidney disease (Obeidova, 2014; Kurashige, 2015). Based on the available evidence, this alteration is classified as pathogenic.

Literature cited by the submitters: PubMed 24611717; PubMed 24694054.